The following is an entry in ClinVar:

NM_007327.4(GRIN1):c.258+18C>T

Gene: GRIN1 (glutamate ionotropic receptor NMDA type subunit 1; plus strand). Cytogenetic location: 9q34.3.
Variant type: single nucleotide variant.
Coding change: c.258+18C>T on transcript NM_007327.4 (MANE Select); 18 bases into the intron after coding-DNA position 258, C replaced by T.
Molecular consequence: intron variant.
Genome position (GRCh38, 1-based): chr9:137,139,762, C>T. VCF-style: chr9-137139762-C-T. GRCh37 (hg19) VCF-style: chr9-140034214-C-T.
Other names: c.258+18C>T (NM_001185090.2, NM_001185091.2, NM_021569.4 and 1 more transcripts).
Identifiers: ClinVar variation 384370 (VCV000384370.12), dbSNP rs202160831, ClinGen allele CA5360597.

ClinVar aggregate classification (germline): Benign/Likely benign. Review status: criteria provided, multiple submitters, no conflicts (2 of 4 stars). 5 submissions from 5 submitters: Benign (1); Likely benign (4). Last evaluated 2026-01-21.

Conditions:
Neurodevelopmental disorder with or without hyperkinetic movements and seizures, autosomal dominant. Also called: Intellectual disability, autosomal dominant 8. Identifiers: MedGen C3280282, MONDO:0013655, OMIM 614254.

Allele frequency attached by ClinVar (database versions not stated): 1000 Genomes Project 0.00020; 1000 Genomes Project 30x 0.00031; TOPMed 0.00088; gnomAD 0.00129 and 0.00130; ExAC 0.00137; ESP Exome Variant Server 0.00138; gnomAD exomes 0.00144 and 0.00172.
gnomAD v4.1: 2,643 of 1,597,266 alleles (0.17%); highest among the groups gnomAD compares: Non-Finnish European, 0.18%; 2 homozygotes.

Submissions (5):

Labcorp Genetics (formerly Invitae), Labcorp
Classification: Benign for Neurodevelopmental disorder with or without hyperkinetic movements and seizures, autosomal dominant. Last evaluated: 2026-01-21. Review status: criteria provided, single submitter. Criteria: Invitae Variant Classification Sherloc (09022015). Collection method: clinical testing. Allele origin: germline.

Blueprint Genetics
Classification: Likely benign. Last evaluated: 2024-11-22. Review status: criteria provided, single submitter. Criteria: ACMG Guidelines, 2015. Collection method: clinical testing. Allele origin: germline.

ARUP Laboratories, Molecular Genetics and Genomics, ARUP Laboratories
Classification: Likely benign. Last evaluated: 2023-12-20. Review status: criteria provided, single submitter. Criteria: ARUP Molecular Germline Variant Investigation Process 2024. Collection method: clinical testing. Allele origin: germline.

GeneDx
Classification: Likely benign. Last evaluated: 2017-10-17. Review status: criteria provided, single submitter. Criteria: GeneDx Variant Classification (06012015). Collection method: clinical testing. Allele origin: germline. Affected: yes.
Comment: This variant is considered likely benign or benign based on one or more of the following criteria: it is a conservative change, it occurs at a poorly conserved position in the protein, it is predicted to be benign by multiple in silico algorithms, and/or has population frequency not consistent with disease.

Center for Pediatric Genomic Medicine, Children's Mercy Hospital and Clinics
Classification: Likely benign. Last evaluated: 2017-05-11. Review status: criteria provided, single submitter. Criteria: ACMG Guidelines, 2015. Collection method: clinical testing. Allele origin: germline.